The following is an entry in ClinVar:

ClinVar aggregate classification (germline): Pathogenic. Review status: reviewed by expert panel (3 of 4 stars). 3 submissions from 3 submitters: Pathogenic (1). 2 of the submissions do not count toward it. Last evaluated 2016-09-08.

Conditions:
Hereditary cancer-predisposing syndrome. Also called: Tumor predisposition; Neoplastic Syndromes, Hereditary; Hereditary Cancer Syndrome; Hereditary neoplastic syndrome. Identifiers: Orphanet 140162, MedGen C0027672, MeSH D009386, MONDO:0015356.
Breast-ovarian cancer, familial, susceptibility to, 1 (BROVCA1). Also called: OVARIAN CANCER, SUSCEPTIBILITY TO; BRCA1 Hereditary Breast and Ovarian Cancer. Identifiers: Orphanet 145, MedGen C2676676, MONDO:0011450, OMIM 604370. Disease mechanism: loss of function.

Submissions (3):

Evidence-based Network for the Interpretation of Germline Mutant Alleles (ENIGMA)
Classification: Pathogenic for Breast-ovarian cancer, familial, susceptibility to, 1. Last evaluated: 2016-09-08. Review status: reviewed by expert panel. Criteria: ENIGMA BRCA1/2 Classification Criteria (2015). Collection method: curation. Allele origin: germline.
Comment: Variant allele predicted to encode a truncated non-functional protein.

Color Diagnostics, LLC DBA Color Health
Classification: Pathogenic for Hereditary cancer-predisposing syndrome. Last evaluated: 2020-05-05. Review status: criteria provided, single submitter. Criteria: ACMG Guidelines, 2015. Collection method: clinical testing. Allele origin: germline. Not counted in ClinVar's aggregate classification.
Comment: This variant deletes 1 nucleotide in exon 10 of the BRCA1 gene, creating a frameshift and premature translation stop signal. This variant is expected to result in an absent or non-functional protein product. This variant has been reported in individuals affected with breast and/or ovarian cancer (PMID: 17100994, 26402875). This variant has not been identified in the general population by the Genome Aggregation Database (gnomAD). Loss of BRCA1 function is a known mechanism of disease. Based on the available evidence, this variant is classified as Pathogenic.

Ambry Genetics
Classification: Pathogenic for Hereditary cancer-predisposing syndrome. Last evaluated: 2017-06-14. Review status: criteria provided, single submitter. Criteria: Ambry Variant Classification Scheme 2023. Collection method: clinical testing. Allele origin: germline. Not counted in ClinVar's aggregate classification.
Comment: The c.2359delG pathogenic mutation, located in coding exon 9 of the BRCA1 gene, results from a deletion of one nucleotide at nucleotide position 2359, causing a translational frameshift with a predicted alternate stop codon (p.E787Kfs*5). This mutation has been reported in Korean breast cancer patients (Kim BY et al. Biochem. Biophys. Res. Commun. 2006 Oct;349:604-10; Han SH et al. Clin. Genet. 2006 Dec;70:496-501) and in a cohort of Korean women with epithelial ovarian cancer (Choi MC et al. Int. J. Gynecol. Cancer 2015 Oct;25:1386-91). Of note, this mutation is also designated 2478delG in published literature. In addition to the clinical data presented in the literature, this alteration is expected to result in loss of function by premature protein truncation or nonsense-mediated mRNA decay. As such, this alteration is interpreted as a disease-causing mutation.

Literature cited by the submitters: PubMed 16949048 (cited by Ambry Genetics); PubMed 17100994 (cited by Ambry Genetics); PubMed 26402875 (cited by Ambry Genetics).

NM_007294.4(BRCA1):c.2359del (p.Glu787fs)

Gene: BRCA1 (BRCA1 DNA repair associated; minus strand). Cytogenetic location: 17q21.31.
Variant type: Deletion.
Coding change: c.2359del on transcript NM_007294.4 (MANE Select); coding-DNA position 2359, one base deleted (G; older notation c.2359delG).
Protein change: p.Glu787fs; shifts the reading frame from glutamic acid 787.
Molecular consequence: frameshift variant. On other transcripts: intron variant (137).
Genome position (GRCh38, 1-based): chr17:43,093,172, C deleted on the plus strand (G on the coding strand, the reverse complement: BRCA1 is on the minus strand); the first of 2 consecutive C bases (chr17:43,093,172-43,093,173); deleting either gives the same sequence. VCF-style (leftmost placement, unchanged base first): chr17-43093171-TC-T. GRCh37 (hg19) VCF-style: chr17-41245188-TC-T.
Other names: c.2359delG (NM_007294.3); c.787+1572del (NM_001407982.1, NM_001407970.1, NM_001407980.1 and 17 more transcripts); c.2146del, p.Glu716fs (NM_001407571.1, NM_001407853.1, NM_001407894.1 and 9 more transcripts); c.2359del, p.Glu787fs (NM_001407581.1, NM_001407582.1, NM_001407583.1 and 30 more transcripts); c.2356del, p.Glu786fs (NM_001407587.1, NM_001407590.1, NM_001407591.1 and 22 more transcripts); c.2350del, p.Glu784fs (NM_001407646.1, NM_001407647.1); c.2236del, p.Glu746fs (NM_001407648.1, NM_001407664.1, NM_001407665.1 and 19 more transcripts); c.2233del, p.Glu745fs (NM_001407649.1, NM_001407670.1, NM_001407671.1 and 11 more transcripts); and 43 more; short protein forms E740fs, E787fs, E491fs, E698fs, E720fs, E745fs, E619fs, E675fs.
Identifiers: ClinVar variation 54548 (VCV000054548.11), dbSNP rs80357739, ClinGen allele CA001578.